The following is an entry in ClinVar:

NM_000520.6(HEXA):c.755G>A (p.Arg252His)

Gene: HEXA (hexosaminidase subunit alpha; minus strand). Cytogenetic location: 15q23.
Variant type: single nucleotide variant.
Coding change: c.755G>A on transcript NM_000520.6 (MANE Select); coding-DNA position 755, G replaced by A.
Protein change: p.Arg252His; replaces arginine 252 with histidine.
Molecular consequence: missense variant. On other transcripts: non-coding transcript variant (1).
Genome position (GRCh38, 1-based): chr15:72,350,568, C>T on the plus strand (G>A on the coding strand, the complement: HEXA is on the minus strand). VCF-style: chr15-72350568-C-T. GRCh37 (hg19) VCF-style: chr15-72642909-C-T.
Other names: c.788G>A, p.Arg263His (NM_001318825.2); c.755G>A (NM_000520.5); short protein forms R252H, R263H.
Identifiers: ClinVar variation 1074825 (VCV001074825.14), dbSNP rs762255098, ClinGen allele CA7644904.

ClinVar aggregate classification (germline): Pathogenic/Likely pathogenic. Review status: criteria provided, multiple submitters, no conflicts (2 of 4 stars). 5 submissions from 5 submitters: Pathogenic (1); Likely pathogenic (4). Last evaluated 2026-07-17.

Conditions:
Tay-Sachs disease (TSD). Also called: Hexosaminidase A Deficiency; HEXA DEFICIENCY; HEXA Disorders; GM2 gangliosidosis, type 1; Hexosaminidase alpha-subunit deficiency (variant B); Sphingolipidosis, Tay-Sachs. Identifiers: Orphanet 845, MedGen C0039373, MONDO:0010100, OMIM 272800.

Allele frequency attached by ClinVar (database versions not stated): TOPMed below 0.00001; gnomAD 0.00001; gnomAD exomes 0.00001 and 0.00002; ExAC 0.00002.
gnomAD v4.1: 14 of 1,613,996 alleles (0.00087%); highest among the groups gnomAD compares: Admixed American, 0.01%; no homozygotes.

Submissions (5):

Myriad Genetics, Inc.
Classification: Likely pathogenic for Tay-Sachs disease. Last evaluated: 2026-07-17. Review status: criteria provided, single submitter. Criteria: Myriad Autosomal Dominant, Autosomal Recessive and X-Linked Classification Criteria (2023). Collection method: clinical testing. Allele origin: unknown.
Comment: NM_000520.4(HEXA):c.755G>A(R252H) is a missense variant classified as likely pathogenic in the context of hexosaminidase A deficiency. R252H has been observed in a case with relevant disease (PMID: 8730294). Relevant functional assessments of this variant are not available in the literature. Internal structural analysis of the variant is supportive of pathogenicity. R252H has been observed in referenced population frequency databases. In summary, NM_000520.4(HEXA):c.755G>A(R252H) is a missense variant that has internal structural support for pathogenicity and has been observed more frequently in cases with the relevant disease than in healthy populations. Please note: this variant was assessed in the context of healthy population screening.

Natera, Inc.
Classification: Likely pathogenic for Tay-Sachs disease. Last evaluated: 2025-11-20. Review status: criteria provided, single submitter. Criteria: Natera Variant Classification Schema (03/2026). Collection method: clinical testing. Allele origin: germline.
Comment: The c.755G>A variant in HEXA is a missense variant predicted to cause substitution of arginine to histidine at amino acid 252. This variant is rare in the general population with a frequency below the threshold expected for the associated phenotype(s). This variant has been observed in one or more individuals affected with the associated recessive disease, as either homozygous or compound heterozygous with a second variant (PMID: 8730294). Additionally, this variant has been observed to segregate in affected family members (PMID: 8730294). A different variant at the same position has been determined to be Pathogenic or Likely Pathogenic. Computational prediction algorithms indicate this variant is likely to affect gene or protein function. Given the available evidence, this variant is classified as Likely Pathogenic.

Dasa
Classification: Likely pathogenic for Tay-Sachs disease. Last evaluated: 2025-10-08. Review status: criteria provided, single submitter. Criteria: DASA Assertion Criteria. Collection method: clinical testing. Allele origin: germline.
Comment: NM_000520.6(HEXA):c.755G>A (p.Arg252His) is a missense variant that results in the substitution of arginine with histidine. The affected residue or protein region has prior evidence supporting clinical relevance. This variant has been reported in individuals with HEXA-related disorders (PMID: 8730294). Also, this variant is rare in population databases. Computational evidence supports a deleterious effect. Based on the currently available evidence, this variant is classified as likely pathogenic.

Otogenetics
Classification: Likely pathogenic for Tay-Sachs disease. Last evaluated: 2025-09-05. Review status: criteria provided, single submitter. Criteria: ACMG Guidelines, 2015. Collection method: clinical testing. Allele origin: germline.
Comment: PM2: Maximum gnomAD MAF of 0.0145% in American (AMR) subpopulation (<0.249% threshold); PM3: Variant reported in trans in with another pathogenic variant (HEXA c.533G>A, p.Arg178His) in affected siblings (PMID: 8730294); PM5: Pathogenic missense amino acid change occurs in same position: c.755G>T (p.Arg252Leu), c.754C>T (p.Arg252Cys) (PMID: 14566483, 31076878); PP3: In-silico models predict deleterious effect (Revel = 0.96, BayesDel = 0.59)

Labcorp Genetics (formerly Invitae), Labcorp
Classification: Pathogenic for Tay-Sachs disease. Last evaluated: 2025-08-17. Review status: criteria provided, single submitter. Criteria: Invitae Variant Classification Sherloc (09022015). Collection method: clinical testing. Allele origin: germline.
Comment: This sequence change replaces arginine, which is basic and polar, with histidine, which is basic and polar, at codon 252 of the HEXA protein (p.Arg252His). This variant is present in population databases (rs762255098, gnomAD 0.02%). This missense change has been observed in individual(s) with Tay-Sachs disease (PMID: 8730294). In at least one individual the data is consistent with being in trans (on the opposite chromosome) from a pathogenic variant. It has also been observed to segregate with disease in related individuals. ClinVar contains an entry for this variant (Variation ID: 1074825). Invitae Evidence Modeling of protein sequence and biophysical properties (such as structural, functional, and spatial information, amino acid conservation, physicochemical variation, residue mobility, and thermodynamic stability) indicates that this missense variant is expected to disrupt HEXA protein function with a positive predictive value of 95%. This variant disrupts the p.Arg252 amino acid residue in HEXA. Other variant(s) that disrupt this residue have been observed in individuals with HEXA-related conditions (PMID: 14566483; internal data), which suggests that this may be a clinically significant amino acid residue. For these reasons, this variant has been classified as Pathogenic.

Literature cited by the submitters: PubMed 8730294 (cited by 5 submitters); PubMed 14566483 (cited by Otogenetics and Labcorp Genetics (formerly Invitae), Labcorp); PubMed 31076878 (cited by Otogenetics).